The following is an entry in ClinVar:

ClinVar aggregate classification (germline): Uncertain significance (1 of 4 stars; one submission).

Submission:

CeGaT Center for Human Genetics Tuebingen
Classification: Uncertain significance. Last evaluated: 2025-02-01. Review status: criteria provided, single submitter. Criteria: CeGaT Center For Human Genetics Tuebingen Variant Classification Criteria Version 2. Collection method: clinical testing. Allele origin: germline. Affected: yes. Observed: 1 variant allele.
Comment: LTBP1: PM2, PP3

NM_206943.4(LTBP1):c.4703A>C (p.Lys1568Thr)

Gene: LTBP1 (latent transforming growth factor beta binding protein 1; plus strand). Cytogenetic location: 2p22.3.
Variant type: single nucleotide variant.
Coding change: c.4703A>C on transcript NM_206943.4 (MANE Select); coding-DNA position 4703, A replaced by C.
Protein change: p.Lys1568Thr; replaces lysine 1568 with threonine.
Molecular consequence: missense variant.
Genome position (GRCh38, 1-based): chr2:33,365,495, A>C. VCF-style: chr2-33365495-A-C. GRCh37 (hg19) VCF-style: chr2-33590562-A-C.
Other names: c.3725A>C, p.Lys1242Thr (NM_000627.4); c.3599A>C, p.Lys1200Thr (NM_001166264.2, NM_001394909.1); c.3566A>C, p.Lys1189Thr (NM_001166265.2); c.3440A>C, p.Lys1147Thr (NM_001166266.2, NM_001394920.1); c.4544A>C, p.Lys1515Thr (NM_001394905.1); c.3722A>C, p.Lys1241Thr (NM_001394906.1); c.3638A>C, p.Lys1213Thr (NM_001394907.1); c.3605A>C, p.Lys1202Thr (NM_001394908.1); and 13 more; short protein forms K1057T, K1099T, K1105T, K1107T, K1146T, K1147T, K1151T, K1152T.
Identifiers: ClinVar variation 3772478 (VCV003772478.13).